The following is an entry in ClinVar:

NM_002439.5(MSH3):c.316C>T (p.Gln106Ter)

Gene: MSH3 (mutS homolog 3; plus strand). Cytogenetic location: 5q14.1.
Variant type: single nucleotide variant.
Coding change: c.316C>T on transcript NM_002439.5 (MANE Select); coding-DNA position 316, C replaced by T.
Protein change: p.Gln106Ter; replaces glutamine 106 with a stop codon.
Molecular consequence: nonsense.
Genome position (GRCh38, 1-based): chr5:80,656,489, C>T. VCF-style: chr5-80656489-C-T. GRCh37 (hg19) VCF-style: chr5-79952308-C-T.
Other names: short protein forms Q106*.
Identifiers: ClinVar variation 652570 (VCV000652570.14), dbSNP rs149350323, ClinGen allele CA121288548.

ClinVar aggregate classification (germline): Pathogenic/Likely pathogenic. Review status: criteria provided, multiple submitters, no conflicts (2 of 4 stars). 5 submissions from 5 submitters: Pathogenic (3); Likely pathogenic (2). Last evaluated 2025-12-02.

Conditions:
Endometrial carcinoma. Also called: Endometrial carcinoma, somatic. Identifiers: MedGen C0476089, MONDO:0002447, OMIM 608089, HP:0012114.
Familial adenomatous polyposis 4 (FAP4). Also called: MSH3-related attenuated familial adenomatous polyposis. Identifiers: Orphanet 480536, MedGen C4310719, MONDO:0044300, OMIM 617100.
Hereditary cancer-predisposing syndrome. Also called: Neoplastic Syndromes, Hereditary; Tumor predisposition; Hereditary Cancer Syndrome; Hereditary neoplastic syndrome. Identifiers: Orphanet 140162, MedGen C0027672, MeSH D009386, MONDO:0015356.

Submissions (5):

Labcorp Genetics (formerly Invitae), Labcorp
Classification: Pathogenic. Last evaluated: 2025-12-02. Review status: criteria provided, single submitter. Criteria: Invitae Variant Classification Sherloc (09022015). Collection method: clinical testing. Allele origin: germline.
Comment: This sequence change creates a premature translational stop signal (p.Gln106*) in the MSH3 gene. It is expected to result in an absent or disrupted protein product. Loss-of-function variants in MSH3 are known to be pathogenic (PMID: 27476653, 37402566). This variant is not present in population databases (gnomAD no frequency). This variant has not been reported in the literature in individuals affected with MSH3-related conditions. ClinVar contains an entry for this variant (Variation ID: 652570). For these reasons, this variant has been classified as Pathogenic.

Ambry Genetics
Classification: Pathogenic for Hereditary cancer-predisposing syndrome. Last evaluated: 2025-11-20. Review status: criteria provided, single submitter. Criteria: Ambry Variant Classification Scheme 2023. Collection method: clinical testing. Allele origin: germline.
Comment: The p.Q106* pathogenic mutation (also known as c.316C>T), located in coding exon 2 of the MSH3 gene, results from a C to T substitution at nucleotide position 316. This changes the amino acid from a glutamine to a stop codon within coding exon 2. This variant is considered to be rare based on population cohorts in the Genome Aggregation Database (gnomAD). This alteration is expected to result in loss of function by premature protein truncation or nonsense-mediated mRNA decay. As such, this alteration is interpreted as a disease-causing mutation.

Baylor Genetics
Classification: Likely pathogenic for Endometrial carcinoma. Last evaluated: 2024-02-06. Review status: criteria provided, single submitter. Criteria: ACMG Guidelines, 2015. Collection method: clinical testing. Allele origin: unknown.

Myriad Genetics, Inc.
Classification: Pathogenic for Familial adenomatous polyposis 4. Last evaluated: 2023-08-29. Review status: criteria provided, single submitter. Criteria: Myriad Autosomal Dominant, Autosomal Recessive and X-Linked Classification Criteria (2023). Collection method: clinical testing. Allele origin: unknown.
Comment: This variant is considered pathogenic. This variant creates a termination codon and is predicted to result in premature protein truncation.

Quest Diagnostics Nichols Institute San Juan Capistrano
Classification: Likely pathogenic. Last evaluated: 2021-08-03. Review status: criteria provided, single submitter. Criteria: Quest Diagnostics criteria. Collection method: clinical testing. Allele origin: unknown.
Comment: This nonsense variant is predicted to cause the premature termination of MSH3 protein synthesis. To the best of our knowledge, the variant has not been reported in the published literature. Based on the available information, this variant is classified as likely pathogenic.

Literature cited by the submitters: PubMed 27476653 (cited by Labcorp Genetics (formerly Invitae), Labcorp); PubMed 37402566 (cited by Labcorp Genetics (formerly Invitae), Labcorp).